The following is an entry in ClinVar:

NM_032043.3(BRIP1):c.1918A>G (p.Ile640Val)

Gene: BRIP1 (BRCA1 interacting DNA helicase 1; minus strand). Cytogenetic location: 17q23.2.
Variant type: single nucleotide variant.
Coding change: c.1918A>G on transcript NM_032043.3 (MANE Select); coding-DNA position 1918, A replaced by G.
Protein change: p.Ile640Val; replaces isoleucine 640 with valine.
Molecular consequence: missense variant.
Genome position (GRCh38, 1-based): chr17:61,780,278, T>C on the plus strand (A>G on the coding strand, the complement: BRIP1 is on the minus strand). VCF-style: chr17-61780278-T-C. GRCh37 (hg19) VCF-style: chr17-59857639-T-C.
Other names: c.1918A>G (NM_032043.2); short protein forms I640V.
Identifiers: ClinVar variation 1386479 (VCV001386479.10), dbSNP rs2145075101, ClinGen allele CA400479210.

ClinVar aggregate classification (germline): Conflicting classifications of pathogenicity. Review status: criteria provided, conflicting classifications (1 of 4 stars). 3 submissions from 3 submitters: Uncertain significance (2); Likely benign (1). Last evaluated 2026-06-09.

Conditions:
Hereditary cancer-predisposing syndrome. Also called: Neoplastic Syndromes, Hereditary; Tumor predisposition; Hereditary Cancer Syndrome; Hereditary neoplastic syndrome. Identifiers: Orphanet 140162, MedGen C0027672, MeSH D009386, MONDO:0015356.
Fanconi anemia complementation group J. Also called: BRIP1-Related Fanconi Anemia. Identifiers: Orphanet 84, MedGen C1836860, MONDO:0012187, OMIM 609054.
Familial cancer of breast. Also called: hereditary breast carcinoma; BREAST CANCER, FAMILIAL; Hereditary breast cancer. Identifiers: Orphanet 227535, MedGen C0346153, MONDO:0016419, OMIM 114480. Disease mechanism: loss of function.

Submissions (3):

Ambry Genetics
Classification: Likely benign for Hereditary cancer-predisposing syndrome. Last evaluated: 2026-06-09. Review status: criteria provided, single submitter. Criteria: Ambry Variant Classification Scheme 2023. Collection method: clinical testing. Allele origin: germline.

Color Diagnostics, LLC DBA Color Health
Classification: Uncertain significance for Hereditary cancer-predisposing syndrome. Last evaluated: 2024-03-16. Review status: criteria provided, single submitter. Criteria: ACMG Guidelines, 2015. Collection method: clinical testing. Allele origin: germline.
Comment: This missense variant replaces isoleucine with valine at codon 640 of the BRIP1 protein. Computational prediction suggests that this variant may not impact protein structure and function (internally defined REVEL score threshold <= 0.5, PMID: 27666373). To our knowledge, functional studies have not been reported for this variant. This variant has not been reported in individuals affected with BRIP1-related disorders in the literature. This variant has not been identified in the general population by the Genome Aggregation Database (gnomAD). The available evidence is insufficient to determine the role of this variant in disease conclusively. Therefore, this variant is classified as a Variant of Uncertain Significance.

Labcorp Genetics (formerly Invitae), Labcorp
Classification: Uncertain significance for Familial cancer of breast; Fanconi anemia complementation group J. Last evaluated: 2021-06-05. Review status: criteria provided, single submitter. Criteria: Invitae Variant Classification Sherloc (09022015). Collection method: clinical testing. Allele origin: germline.
Comment: In summary, the available evidence is currently insufficient to determine the role of this variant in disease. Therefore, it has been classified as a Variant of Uncertain Significance. Algorithms developed to predict the effect of missense changes on protein structure and function output the following: SIFT: "Tolerated"; PolyPhen-2: "Benign"; Align-GVGD: "Class C0". The valine amino acid residue is found in multiple mammalian species, suggesting that this missense change does not adversely affect protein function. These predictions have not been confirmed by published functional studies and their clinical significance is uncertain. This variant has not been reported in the literature in individuals with BRIP1-related conditions. This variant is not present in population databases (ExAC no frequency). This sequence change replaces isoleucine with valine at codon 640 of the BRIP1 protein (p.Ile640Val). The isoleucine residue is weakly conserved and there is a small physicochemical difference between isoleucine and valine.